The following is an entry in ClinVar:

ClinVar aggregate classification (germline): Uncertain significance (1 of 4 stars; one submission).

Conditions:
Hepatic veno-occlusive disease-immunodeficiency syndrome. Also called: Hepatic Veno-Occlusive Disease with Immunodeficiency. Identifiers: Orphanet 79124, MedGen C1856128, MONDO:0009338, OMIM 235550. Disease mechanism: loss of function.

Submission:

Labcorp Genetics (formerly Invitae), Labcorp
Classification: Uncertain significance for Hepatic veno-occlusive disease-immunodeficiency syndrome. Last evaluated: 2022-11-24. Review status: criteria provided, single submitter. Criteria: Invitae Variant Classification Sherloc (09022015). Collection method: clinical testing. Allele origin: germline.
Comment: In summary, the available evidence is currently insufficient to determine the role of this variant in disease. Therefore, it has been classified as a Variant of Uncertain Significance. This sequence change falls in intron 16 of the SP110 gene. It does not directly change the encoded amino acid sequence of the SP110 protein. It affects a nucleotide within the consensus splice site. This variant is not present in population databases (gnomAD no frequency). This variant has not been reported in the literature in individuals affected with SP110-related conditions. Variants that disrupt the consensus splice site are a relatively common cause of aberrant splicing (PMID: 17576681, 9536098). Algorithms developed to predict the effect of sequence changes on RNA splicing suggest that this variant may disrupt the consensus splice site.

Literature cited by the submitters: PubMed 17576681; PubMed 9536098.

NM_080424.4(SP110):c.1815+5_1815+6del

Gene: SP110 (SP110 nuclear body protein; minus strand). Cytogenetic location: 2q37.1.
Variant type: Deletion.
Coding change: c.1815+5_1815+6del on transcript NM_080424.4 (MANE Select); bases 5 to 6 of the intron after coding-DNA position 1815, 2 bases deleted (GT; older notation c.1815+5_1815+6delGT).
Molecular consequence: intron variant.
Genome position (GRCh38, 1-based): chr2:230,172,060-230,172,061, AC deleted on the plus strand (GT on the coding strand, the reverse complement: SP110 is on the minus strand). VCF-style (leftmost placement, unchanged base first): chr2-230172059-AAC-A. GRCh37 (hg19) VCF-style: chr2-231036775-AAC-A.
Other names: c.1833+5_1833+6del (NM_001378446.1, NM_001378445.1, NM_001378442.1 and 1 more transcripts); c.1815+5_1815+6del (NM_004509.5, NM_001378443.1).
Identifiers: ClinVar variation 2816544 (VCV002816544.3), dbSNP rs2469400232, ClinGen allele CA2739279116.